The following is an entry in ClinVar:

NM_002439.5(MSH3):c.2471C>T (p.Ala824Val)

Gene: MSH3 (mutS homolog 3; plus strand). Cytogenetic location: 5q14.1.
Variant type: single nucleotide variant.
Coding change: c.2471C>T on transcript NM_002439.5 (MANE Select); coding-DNA position 2471, C replaced by T.
Protein change: p.Ala824Val; replaces alanine 824 with valine.
Molecular consequence: missense variant.
Genome position (GRCh38, 1-based): chr5:80,787,600, C>T. VCF-style: chr5-80787600-C-T. GRCh37 (hg19) VCF-style: chr5-80083419-C-T.
Other names: short protein forms A824V.
Identifiers: ClinVar variation 3727740 (VCV003727740.2).

ClinVar aggregate classification (germline): Uncertain significance (1 of 4 stars; one submission).

Submission:

Labcorp Genetics (formerly Invitae), Labcorp
Classification: Uncertain significance. Last evaluated: 2024-12-22. Review status: criteria provided, single submitter. Criteria: Invitae Variant Classification Sherloc (09022015). Collection method: clinical testing. Allele origin: germline.
Comment: This sequence change replaces alanine, which is neutral and non-polar, with valine, which is neutral and non-polar, at codon 824 of the MSH3 protein (p.Ala824Val). This variant is not present in population databases (gnomAD no frequency). This variant has not been reported in the literature in individuals affected with MSH3-related conditions. An algorithm developed to predict the effect of missense changes on protein structure and function (PolyPhen-2) suggests that this variant is likely to be disruptive. In summary, the available evidence is currently insufficient to determine the role of this variant in disease. Therefore, it has been classified as a Variant of Uncertain Significance.